The following is an entry in ClinVar:

ClinVar aggregate classification (germline): Uncertain significance. Review status: criteria provided, multiple submitters, no conflicts (2 of 4 stars). 2 submissions from 2 submitters: Uncertain significance (2). Last evaluated 2024-06-25.

Conditions:
Inborn genetic diseases. Identifiers: MedGen C0950123, MeSH D030342.

Allele frequency attached by ClinVar (database versions not stated): TOPMed 0.00011; ESP Exome Variant Server 0.00016; 1000 Genomes Project 0.00020; 1000 Genomes Project 30x 0.00031.
gnomAD v4.1: 291 of 1,610,608 alleles (0.018%); highest among the groups gnomAD compares: East Asian, 0.2%; no homozygotes.

Submissions (2):

Labcorp Genetics (formerly Invitae), Labcorp
Classification: Uncertain significance. Last evaluated: 2024-06-25. Review status: criteria provided, single submitter. Criteria: Invitae Variant Classification Sherloc (09022015). Collection method: clinical testing. Allele origin: germline.
Comment: This sequence change replaces arginine, which is basic and polar, with tryptophan, which is neutral and slightly polar, at codon 2373 of the LAMA5 protein (p.Arg2373Trp). This variant is present in population databases (rs367686002, gnomAD 0.07%). This variant has not been reported in the literature in individuals affected with LAMA5-related conditions. Advanced modeling of protein sequence and biophysical properties (such as structural, functional, and spatial information, amino acid conservation, physicochemical variation, residue mobility, and thermodynamic stability) performed at Invitae indicates that this missense variant is not expected to disrupt LAMA5 protein function with a negative predictive value of 80%. In summary, the available evidence is currently insufficient to determine the role of this variant in disease. Therefore, it has been classified as a Variant of Uncertain Significance.

Ambry Genetics
Classification: Uncertain significance for Inborn genetic diseases. Last evaluated: 2024-01-03. Review status: criteria provided, single submitter. Criteria: Ambry Variant Classification Scheme 2023. Collection method: clinical testing. Allele origin: germline.

NM_005560.6(LAMA5):c.7117C>T (p.Arg2373Trp)

Gene: LAMA5 (laminin subunit alpha 5; minus strand). Cytogenetic location: 20q13.33.
Variant type: single nucleotide variant.
Coding change: c.7117C>T on transcript NM_005560.6 (MANE Select); coding-DNA position 7117, C replaced by T.
Protein change: p.Arg2373Trp; replaces arginine 2373 with tryptophan.
Molecular consequence: missense variant.
Genome position (GRCh38, 1-based): chr20:62,318,576, G>A on the plus strand (C>T on the coding strand, the complement: LAMA5 is on the minus strand). VCF-style: chr20-62318576-G-A. GRCh37 (hg19) VCF-style: chr20-60893632-G-A.
Other names: short protein forms R2373W.
Identifiers: ClinVar variation 3117541 (VCV003117541.3), dbSNP rs367686002, ClinGen allele CA9941415.